The following is an entry in ClinVar:

ClinVar aggregate classification (germline): Likely benign (1 of 4 stars; one submission).

Conditions:
TBX3-related disorder. Also called: TBX3-related condition.

gnomAD v4.1: 8 of 1,612,424 alleles (0.0005%); highest among the groups gnomAD compares: African/African-American, 0.0093%; no homozygotes.

Submission:

PreventionGenetics, part of Exact Sciences
Classification: Likely benign for TBX3-related condition. Last evaluated: 2024-11-12. Review status: criteria provided, single submitter. Criteria: ACMG Guidelines, 2015. Collection method: clinical testing. Allele origin: germline.
Comment: This variant is classified as likely benign based on ACMG/AMP sequence variant interpretation guidelines (Richards et al. 2015 PMID: 25741868, with internal and published modifications).

NM_005996.4(TBX3):c.189G>A (p.Pro63=)

Genes: TBX3 (T-box transcription factor 3; minus strand), TBX3-AS1 (TBX3 antisense RNA 1; plus strand). Cytogenetic location: 12q24.21.
Variant type: single nucleotide variant.
Coding change: c.189G>A on transcript NM_005996.4 (MANE Select); coding-DNA position 189, G replaced by A.
Protein change: p.Pro63=; no amino-acid change (proline 63 retained).
Molecular consequence: synonymous variant.
Genome position (GRCh38, 1-based): chr12:114,683,012, C>T on the plus strand (G>A on the coding strand, the complement: TBX3 is on the minus strand). VCF-style: chr12-114683012-C-T. GRCh37 (hg19) VCF-style: chr12-115120817-C-T.
Other names: c.189G>A, p.Pro63= (NM_016569.4).
Identifiers: ClinVar variation 4979682 (VCV004979682.1).
Genomic context (GRCh38, chr12:114,683,012, plus strand): 5'-GGGCCCCAGGGAGGAGAACGGGATGCCGGTCTCGGCCGCCCCCACCAATTGATCCATGAT[C>T]GGCTTGGCCAGGGCGCCCGGCAGCGAGAGCGCCGCCGCGCCGTTGGGAGGCAGCGTCAGC-3'
Protein context (NP_005987.3, residues 53-73): ALSLPGALAK[Pro63=]IMDQLVGAAE